The following is an entry in ClinVar:

NM_078480.3(PUF60):c.1183_1187del (p.Pro395fs)

Gene: PUF60 (poly(U) binding splicing factor 60; minus strand). Cytogenetic location: 8q24.3.
Variant type: Deletion.
Coding change: c.1183_1187del on transcript NM_078480.3 (MANE Select); coding-DNA positions 1183 to 1187, 5 bases deleted (CCCTC; older notation c.1183_1187delCCCTC).
Protein change: p.Pro395fs; shifts the reading frame from proline 395.
Molecular consequence: frameshift variant.
Genome position (GRCh38, 1-based): chr8:143,817,103-143,817,107, GAGGG deleted on the plus strand (CCCTC on the coding strand, the reverse complement: PUF60 is on the minus strand); deleting any 5 consecutive bases within chr8:143,817,103-143,817,109 gives the same sequence; the c. name uses the placement nearest the transcript's 3' end. VCF-style (leftmost placement, unchanged base first): chr8-143817102-CGAGGG-C. GRCh37 (hg19) VCF-style: chr8-144899272-CGAGGG-C.
Other names: c.1054_1058del, p.Pro352fs (NM_001136033.3); c.1129_1133del, p.Pro377fs (NM_001271096.2); c.1045_1049del, p.Pro349fs (NM_001271097.2); c.1180_1184del, p.Pro394fs (NM_001271098.2); c.1096_1100del, p.Pro366fs (NM_001271099.2); c.1003_1007del, p.Pro335fs (NM_001271100.2); c.1294_1298del, p.Pro432fs (NM_001362895.2, NM_001362896.2); c.1243_1247del, p.Pro415fs (NM_001362897.2); and 1 more; short protein forms P335fs, P377fs, P366fs, P394fs, P395fs, P352fs, P378fs, P432fs.
Identifiers: ClinVar variation 372836 (VCV000372836.1), dbSNP rs1057518014, ClinGen allele CA16042630.

ClinVar aggregate classification (germline): Likely pathogenic (1 of 4 stars; one submission).

Submission:

GeneDx
Classification: Likely pathogenic. Last evaluated: 2016-01-28. Review status: criteria provided, single submitter. Criteria: GeneDx Variant Classification (06012015). Collection method: clinical testing. Allele origin: germline. Affected: yes.
Comment: The c.1183_1187delCCCTC variant in the PUF60 gene has not been reported previously as a pathogenic variant nor as a benign variant, to our knowledge. The c.1183_1187delCCCTC variant causes a frameshift starting with codon Proline 395, changes this amino acid to a Glycine residue, and creates a premature Stop codon at position 50 of the new reading frame, denoted p.Pro395GlyfsX50. This variant causes the last 165 amino acids to be replaced by 49 incorrect amino acids and is predicted to cause loss of normal protein function through protein truncation. The c.1183_1187delCCCTC variant was not observed in approximately 6300 individuals of European and African American ancestry in the NHLBI Exome Sequencing Project, indicating it is not a common benign variant in these populations. Therefore, we interpret c.1183_1187delCCCTC as a likely pathogenic variant.